The following is an entry in ClinVar:

NM_003128.3(SPTBN1):c.1877T>G (p.Leu626Arg)

Gene: SPTBN1 (spectrin beta, non-erythrocytic 1; plus strand). Cytogenetic location: 2p16.2.
Variant type: single nucleotide variant.
Coding change: c.1877T>G on transcript NM_003128.3 (MANE Select); coding-DNA position 1877, T replaced by G.
Protein change: p.Leu626Arg; replaces leucine 626 with arginine.
Molecular consequence: missense variant.
Genome position (GRCh38, 1-based): chr2:54,629,011, T>G. VCF-style: chr2-54629011-T-G. GRCh37 (hg19) VCF-style: chr2-54856148-T-G.
Other names: c.1838T>G, p.Leu613Arg (NM_178313.3); short protein forms L613R, L626R.
Identifiers: ClinVar variation 4076215 (VCV004076215.1).

ClinVar aggregate classification (germline): Uncertain significance (1 of 4 stars; one submission).

Conditions:
Developmental delay, impaired speech, and behavioral abnormalities. Identifiers: MedGen C5561957, MONDO:0859178, OMIM 619475.

Submission:

Laboratorio de Genetica e Diagnostico Molecular, Hospital Israelita Albert Einstein
Classification: Uncertain significance for Developmental delay, impaired speech, and behavioral abnormalities. Last evaluated: 2024-05-10. Review status: criteria provided, single submitter. Criteria: ACMG Guidelines, 2015. Collection method: clinical testing. Allele origin: germline. Affected: yes.
Comment: ACMG classification criteria: PM2 supporting, PP2 supporting